The following is an entry in ClinVar:

ClinVar aggregate classification (germline): Uncertain significance. Review status: criteria provided, multiple submitters, no conflicts (2 of 4 stars). 3 submissions from 3 submitters: Uncertain significance (3). Last evaluated 2025-11-01.

Conditions:
Hereditary nonpolyposis colorectal neoplasms. Identifiers: MedGen C0009405, MeSH D003123.
Hereditary cancer-predisposing syndrome. Also called: Neoplastic Syndromes, Hereditary; Tumor predisposition; Hereditary Cancer Syndrome; Hereditary neoplastic syndrome. Identifiers: Orphanet 140162, MedGen C0027672, MeSH D009386, MONDO:0015356.

Allele frequency attached by ClinVar (database versions not stated): gnomAD exomes below 0.00001.

Submissions (3):

Ambry Genetics
Classification: Uncertain significance for Hereditary cancer-predisposing syndrome. Last evaluated: 2025-11-01. Review status: criteria provided, single submitter. Criteria: Ambry Variant Classification Scheme 2023. Collection method: clinical testing. Allele origin: germline.
Comment: The p.V263M variant (also known as c.787G>A), located in coding exon 4 of the MSH6 gene, results from a G to A substitution at nucleotide position 787. The valine at codon 263 is replaced by methionine, an amino acid with highly similar properties. This amino acid position is conserved. In addition, the in silico prediction for this alteration is inconclusive. Based on the available evidence, the clinical significance of this variant remains unclear.

Labcorp Genetics (formerly Invitae), Labcorp
Classification: Uncertain significance for Hereditary nonpolyposis colorectal neoplasms. Last evaluated: 2025-03-19. Review status: criteria provided, single submitter. Criteria: Invitae Variant Classification Sherloc (09022015). Collection method: clinical testing. Allele origin: germline.
Comment: This sequence change replaces valine, which is neutral and non-polar, with methionine, which is neutral and non-polar, at codon 263 of the MSH6 protein (p.Val263Met). This variant is not present in population databases (gnomAD no frequency). This variant has not been reported in the literature in individuals affected with MSH6-related conditions. ClinVar contains an entry for this variant (Variation ID: 919092). Invitae Evidence Modeling of protein sequence and biophysical properties (such as structural, functional, and spatial information, amino acid conservation, physicochemical variation, residue mobility, and thermodynamic stability) indicates that this missense variant is not expected to disrupt MSH6 protein function with a negative predictive value of 95%. In summary, the available evidence is currently insufficient to determine the role of this variant in disease. Therefore, it has been classified as a Variant of Uncertain Significance.

Color Diagnostics, LLC DBA Color Health
Classification: Uncertain significance for Hereditary cancer-predisposing syndrome. Last evaluated: 2020-01-14. Review status: criteria provided, single submitter. Criteria: ACMG Guidelines, 2015. Collection method: clinical testing. Allele origin: germline.
Comment: This missense variant replaces valine with methionine at codon 263 of the MSH6 protein. Computational prediction tool suggests that this variant may not impact protein structure and function (internally defined REVEL score threshold ≤0.5, PMID: 27666373). Splice site prediction tools suggest that this variant may not impact RNA splicing. To our knowledge, functional studies have not been performed for this variant. This variant has not been reported in individuals affected with hereditary cancer in the literature. This variant has not been identified in the general population by the Genome Aggregation Database (gnomAD). The available evidence is insufficient to determine the role of this variant in disease conclusively. Therefore, this variant is classified as a Variant of Uncertain Significance.

NM_000179.3(MSH6):c.787G>A (p.Val263Met)

Gene: MSH6 (mutS homolog 6; plus strand). Cytogenetic location: 2p16.3.
Variant type: single nucleotide variant.
Coding change: c.787G>A on transcript NM_000179.3 (MANE Select); coding-DNA position 787, G replaced by A.
Protein change: p.Val263Met; replaces valine 263 with methionine.
Molecular consequence: missense variant. On other transcripts: 5 prime UTR variant (2).
Genome position (GRCh38, 1-based): chr2:47,798,770, G>A. VCF-style: chr2-47798770-G-A. GRCh37 (hg19) VCF-style: chr2-48025909-G-A.
Other names: c.397G>A, p.Val133Met (NM_001281492.2); c.-120G>A (NM_001281493.2, NM_001281494.2); short protein forms V133M, V263M.
Identifiers: ClinVar variation 919092 (VCV000919092.9), dbSNP rs1064794127, ClinGen allele CA346740271.